The following is an entry in ClinVar:

NM_017636.4(TRPM4):c.1082T>G (p.Leu361Arg)

Gene: TRPM4 (transient receptor potential cation channel subfamily M member 4; plus strand). Cytogenetic location: 19q13.33.
Variant type: single nucleotide variant.
Coding change: c.1082T>G on transcript NM_017636.4 (MANE Select); coding-DNA position 1082, T replaced by G.
Protein change: p.Leu361Arg; replaces leucine 361 with arginine.
Molecular consequence: missense variant. On other transcripts: 5 prime UTR variant (1), intron variant (1).
Genome position (GRCh38, 1-based): chr19:49,172,040, T>G. VCF-style: chr19-49172040-T-G. GRCh37 (hg19) VCF-style: chr19-49675297-T-G.
Other names: c.1082T>G, p.Leu361Arg (NM_001195227.2); c.737T>G, p.Leu246Arg (NM_001321281.2); c.-472T>G (NM_001321282.2); c.560T>G, p.Leu187Arg (NM_001321283.2); c.201+271T>G (NM_001321285.2); short protein forms L361R, L246R, L187R.
Identifiers: ClinVar variation 180562 (VCV000180562.40), dbSNP rs148763371, ClinGen allele CA346737.

ClinVar aggregate classification (germline): Conflicting classifications of pathogenicity. Review status: criteria provided, conflicting classifications (1 of 4 stars). 5 submissions from 5 submitters: Uncertain significance (1); Likely benign (4). Last evaluated 2026-07-01.

Conditions:
Cardiovascular phenotype. Identifiers: MedGen CN230736.
Progressive familial heart block type IB (PFHB1B). Identifiers: Orphanet 871, MedGen C1970298, MONDO:0011474, OMIM 604559.

Allele frequency attached by ClinVar (database versions not stated): gnomAD 0.00017 and 0.00019; TOPMed 0.00023; gnomAD exomes 0.00030; ESP Exome Variant Server 0.00031; ExAC 0.00035.
gnomAD v4.1: 401 of 1,613,952 alleles (0.025%); highest among the groups gnomAD compares: Middle Eastern, 0.18%; no homozygotes.

Submissions (5):

CeGaT Center for Human Genetics Tuebingen
Classification: Likely benign. Last evaluated: 2026-07-01. Review status: criteria provided, single submitter. Criteria: CeGaT Center For Human Genetics Tuebingen Variant Classification Criteria Version 2. Collection method: clinical testing. Allele origin: germline. Affected: yes. Observed: 3 variant alleles.
Comment: TRPM4: BS2

Labcorp Genetics (formerly Invitae), Labcorp
Classification: Likely benign for Progressive familial heart block type IB. Last evaluated: 2026-02-02. Review status: criteria provided, single submitter. Criteria: Invitae Variant Classification Sherloc (09022015). Collection method: clinical testing. Allele origin: germline.

Blueprint Genetics
Classification: Likely benign. Last evaluated: 2024-09-03. Review status: criteria provided, single submitter. Criteria: ACMG Guidelines, 2015. Collection method: clinical testing. Allele origin: germline.

Ambry Genetics
Classification: Likely benign for Cardiovascular phenotype. Last evaluated: 2020-09-10. Review status: criteria provided, single submitter. Criteria: Ambry Variant Classification Scheme 2023. Collection method: clinical testing. Allele origin: germline.

GeneDx
Classification: Uncertain significance. Last evaluated: 2019-04-05. Review status: criteria provided, single submitter. Criteria: GeneDx Variant Classification Process June 2021. Collection method: clinical testing. Allele origin: germline. Affected: yes.
Comment: Has not been previously published as pathogenic or benign to our knowledge; Observed in 82/277,138 (0.0296%) global alleles, including 13/10,152 (0.1281%) alleles from individuals of Ashkenazi Jewish background, in large population cohorts (Lek et al., 2016); In silico analysis, which includes protein predictors and evolutionary conservation, supports a deleterious effect; Reported in ClinVar (ClinVar Variant ID# 180562; Landrum et al., 2016)